The following is an entry in ClinVar:

ClinVar aggregate classification (germline): Uncertain significance. Review status: criteria provided, multiple submitters, no conflicts (2 of 4 stars). 2 submissions from 2 submitters: Uncertain significance (2). Last evaluated 2023-07-12.

Conditions:
Inborn genetic diseases. Identifiers: MedGen C0950123, MeSH D030342.

Allele frequency attached by ClinVar (database versions not stated): gnomAD 0.00001; gnomAD exomes 0.00001; ExAC 0.00002.
gnomAD v4.1: 8 of 1,613,730 alleles (0.0005%); highest among the groups gnomAD compares: African/African-American, 0.0013%; no homozygotes.

Submissions (2):

Labcorp Genetics (formerly Invitae), Labcorp
Classification: Uncertain significance. Last evaluated: 2023-07-12. Review status: criteria provided, single submitter. Criteria: Invitae Variant Classification Sherloc (09022015). Collection method: clinical testing. Allele origin: germline.
Comment: In summary, the available evidence is currently insufficient to determine the role of this variant in disease. Therefore, it has been classified as a Variant of Uncertain Significance. Advanced modeling of protein sequence and biophysical properties (such as structural, functional, and spatial information, amino acid conservation, physicochemical variation, residue mobility, and thermodynamic stability) performed at Invitae indicates that this missense variant is expected to disrupt GUCY2C protein function. This variant has not been reported in the literature in individuals affected with GUCY2C-related conditions. This variant is present in population databases (rs777674809, gnomAD 0.004%). This sequence change replaces isoleucine, which is neutral and non-polar, with threonine, which is neutral and polar, at codon 921 of the GUCY2C protein (p.Ile921Thr).

Ambry Genetics
Classification: Uncertain significance for Inborn genetic diseases. Last evaluated: 2023-01-23. Review status: criteria provided, single submitter. Criteria: Ambry Variant Classification Scheme 2023. Collection method: clinical testing. Allele origin: germline.

NM_004963.4(GUCY2C):c.2762T>C (p.Ile921Thr)

Gene: GUCY2C (guanylate cyclase 2C; minus strand). Cytogenetic location: 12p12.3.
Variant type: single nucleotide variant.
Coding change: c.2762T>C on transcript NM_004963.4 (MANE Select); coding-DNA position 2762, T replaced by C.
Protein change: p.Ile921Thr; replaces isoleucine 921 with threonine.
Molecular consequence: missense variant.
Genome position (GRCh38, 1-based): chr12:14,621,056, A>G on the plus strand (T>C on the coding strand, the complement: GUCY2C is on the minus strand). VCF-style: chr12-14621056-A-G. GRCh37 (hg19) VCF-style: chr12-14773990-A-G.
Other names: c.2762T>C (NM_004963.3); short protein forms I921T.
Identifiers: ClinVar variation 2888260 (VCV002888260.4), dbSNP rs777674809, ClinGen allele CA6463000.